The following is an entry in ClinVar:

NM_000843.4(GRM6):c.2060C>T (p.Thr687Ile)

Genes: GRM6 (glutamate metabotropic receptor 6; minus strand), ZNF454 (zinc finger protein 454; plus strand). Cytogenetic location: 5q35.3.
Variant type: single nucleotide variant.
Coding change: c.2060C>T on transcript NM_000843.4 (MANE Select); coding-DNA position 2060, C replaced by T.
Protein change: p.Thr687Ile; replaces threonine 687 with isoleucine.
Molecular consequence: missense variant.
Genome position (GRCh38, 1-based): chr5:178,986,194, G>A on the plus strand (C>T on the coding strand, the complement: GRM6 is on the minus strand). VCF-style: chr5-178986194-G-A. GRCh37 (hg19) VCF-style: chr5-178413195-G-A.
Other names: short protein forms T687I.
Identifiers: ClinVar variation 1961839 (VCV001961839.5), dbSNP rs1760539293, ClinGen allele CA362425504.

ClinVar aggregate classification (germline): Uncertain significance (1 of 4 stars; one submission).

Allele frequency attached by ClinVar (database versions not stated): gnomAD exomes below 0.00001; TOPMed below 0.00001.
gnomAD v4.1: 2 of 1,614,102 alleles (0.00012%); highest among the groups gnomAD compares: Non-Finnish European, 0.00017%; no homozygotes.

Submission:

Labcorp Genetics (formerly Invitae), Labcorp
Classification: Uncertain significance. Last evaluated: 2022-09-07. Review status: criteria provided, single submitter. Criteria: Invitae Variant Classification Sherloc (09022015). Collection method: clinical testing. Allele origin: germline.
Comment: In summary, the available evidence is currently insufficient to determine the role of this variant in disease. Therefore, it has been classified as a Variant of Uncertain Significance. Advanced modeling of protein sequence and biophysical properties (such as structural, functional, and spatial information, amino acid conservation, physicochemical variation, residue mobility, and thermodynamic stability) performed at Invitae indicates that this missense variant is not expected to disrupt GRM6 protein function. This variant has not been reported in the literature in individuals affected with GRM6-related conditions. This variant is not present in population databases (gnomAD no frequency). This sequence change replaces threonine, which is neutral and polar, with isoleucine, which is neutral and non-polar, at codon 687 of the GRM6 protein (p.Thr687Ile).